The following is an entry in ClinVar:

ClinVar aggregate classification (germline): Uncertain significance (1 of 4 stars; one submission).

gnomAD v4.1: 2 of 1,613,752 alleles (0.00012%); highest among the groups gnomAD compares: Admixed American, 0.0033%; no homozygotes.

Submission:

Labcorp Genetics (formerly Invitae), Labcorp
Classification: Uncertain significance. Last evaluated: 2025-11-24. Review status: criteria provided, single submitter. Criteria: Invitae Variant Classification Sherloc (09022015). Collection method: clinical testing. Allele origin: germline.
Comment: This sequence change replaces isoleucine, which is neutral and non-polar, with methionine, which is neutral and non-polar, at codon 146 of the SMAD2 protein (p.Ile146Met). This variant is present in population databases (rs756633093, gnomAD 0.006%). This variant has not been reported in the literature in individuals affected with SMAD2-related conditions. ClinVar contains an entry for this variant (Variation ID: 3698754). Invitae Evidence Modeling of protein sequence and biophysical properties (such as structural, functional, and spatial information, amino acid conservation, physicochemical variation, residue mobility, and thermodynamic stability) indicates that this missense variant is not expected to disrupt SMAD2 protein function with a negative predictive value of 80%. In summary, the available evidence is currently insufficient to determine the role of this variant in disease. Therefore, it has been classified as a Variant of Uncertain Significance.

NM_005901.6(SMAD2):c.438T>G (p.Ile146Met)

Gene: SMAD2 (SMAD family member 2; minus strand). Cytogenetic location: 18q21.1.
Variant type: single nucleotide variant.
Coding change: c.438T>G on transcript NM_005901.6 (MANE Select); coding-DNA position 438, T replaced by G.
Protein change: p.Ile146Met; replaces isoleucine 146 with methionine.
Molecular consequence: missense variant.
Genome position (GRCh38, 1-based): chr18:47,869,325, A>C on the plus strand (T>G on the coding strand, the complement: SMAD2 is on the minus strand). VCF-style: chr18-47869325-A-C. GRCh37 (hg19) VCF-style: chr18-45395696-A-C.
Other names: c.438T>G, p.Ile146Met (NM_001003652.4); c.348T>G, p.Ile116Met (NM_001135937.3); short protein forms I116M, I146M.
Identifiers: ClinVar variation 3698754 (VCV003698754.2).